The following is an entry in ClinVar:

NM_133433.4(NIPBL):c.6645A>G (p.Leu2215=)

Gene: NIPBL (NIPBL cohesin loading factor; plus strand). Cytogenetic location: 5p13.2.
Variant type: single nucleotide variant.
Coding change: c.6645A>G on transcript NM_133433.4 (MANE Select); coding-DNA position 6645, A replaced by G.
Protein change: p.Leu2215=; no amino-acid change (leucine 2215 retained).
Molecular consequence: synonymous variant.
Genome position (GRCh38, 1-based): chr5:37,048,557, A>G. VCF-style: chr5-37048557-A-G. GRCh37 (hg19) VCF-style: chr5-37048659-A-G.
Other names: c.6645A>G, p.Leu2215= (NM_015384.5).
Identifiers: ClinVar variation 353387 (VCV000353387.18), dbSNP rs149186951, ClinGen allele CA3237040.

ClinVar aggregate classification (germline): Likely benign. Review status: criteria provided, multiple submitters, no conflicts (2 of 4 stars). 5 submissions from 5 submitters: Likely benign (5). Last evaluated 2025-01-21.

Conditions:
Inborn genetic diseases. Identifiers: MedGen C0950123, MeSH D030342.
NIPBL-related disorder. Also called: NIPBL-related condition.
Cornelia de Lange syndrome 1 (CDLS1). Also called: NIPBL-Related Cornelia de Lange Syndrome; TYPUS DEGENERATIVUS AMSTELODAMENSIS; Brachmann de Lange syndrome. Identifiers: Orphanet 199, MedGen C4551851, MONDO:0007387, OMIM 122470.

Allele frequency attached by ClinVar (database versions not stated): TOPMed 0.00009; gnomAD 0.00013; ESP Exome Variant Server 0.00016; gnomAD exomes 0.00016 and 0.00024; ExAC 0.00036.
gnomAD v4.1: 245 of 1,589,810 alleles (0.015%); highest among the groups gnomAD compares: Non-Finnish European, 0.015%; no homozygotes.

Submissions (5):

PreventionGenetics, part of Exact Sciences
Classification: Likely benign for NIPBL-related condition. Last evaluated: 2025-01-21. Review status: criteria provided, single submitter. Criteria: ACMG Guidelines, 2015. Collection method: clinical testing. Allele origin: germline.
Comment: This variant is classified as likely benign based on ACMG/AMP sequence variant interpretation guidelines (Richards et al. 2015 PMID: 25741868, with internal and published modifications).

Labcorp Genetics (formerly Invitae), Labcorp
Classification: Likely benign for Cornelia de Lange syndrome 1. Last evaluated: 2024-10-16. Review status: criteria provided, single submitter. Criteria: Invitae Variant Classification Sherloc (09022015). Collection method: clinical testing. Allele origin: germline.

Blueprint Genetics
Classification: Likely benign. Last evaluated: 2024-05-17. Review status: criteria provided, single submitter. Criteria: ACMG Guidelines, 2015. Collection method: clinical testing. Allele origin: germline.

Illumina Laboratory Services, Illumina
Classification: Likely benign for Cornelia de Lange syndrome 1. Last evaluated: 2018-01-12. Review status: criteria provided, single submitter. Criteria: ICSL Variant Classification Criteria 13 December 2019. Collection method: clinical testing. Allele origin: germline.
Comment: This variant was observed in the ICSL laboratory as part of a predisposition screen in an ostensibly healthy population. It had not been previously curated by ICSL or reported in the Human Gene Mutation Database (HGMD: prior to June 1st, 2018), and was therefore a candidate for classification through an automated scoring system. Utilizing variant allele frequency, disease prevalence and penetrance estimates, and inheritance mode, an automated score was calculated to assess if this variant is too frequent to cause the disease. Based on the score and internal cut-off values, a variant classified as likely benign is not then subjected to further curation. The score for this variant resulted in a classification of likely benign for this disease.

Ambry Genetics
Classification: Likely benign for Inborn genetic diseases. Last evaluated: 2017-02-14. Review status: criteria provided, single submitter. Criteria: Ambry Variant Classification Scheme 2023. Collection method: clinical testing. Allele origin: germline.